The following is an entry in ClinVar:

ClinVar aggregate classification (germline): Likely benign. Review status: criteria provided, multiple submitters, no conflicts (2 of 4 stars). 2 submissions from 2 submitters: Likely benign (2). Last evaluated 2022-12-19.

Allele frequency attached by ClinVar (database versions not stated): TOPMed below 0.00001; ExAC 0.00001; gnomAD exomes 0.00001.
gnomAD v4.1: 7 of 1,611,798 alleles (0.00043%); highest among the groups gnomAD compares: South Asian, 0.0044%; no homozygotes.

Submissions (2):

Labcorp Genetics (formerly Invitae), Labcorp
Classification: Likely benign. Last evaluated: 2022-12-19. Review status: criteria provided, single submitter. Criteria: Invitae Variant Classification Sherloc (09022015). Collection method: clinical testing. Allele origin: germline.

Laboratory for Molecular Medicine, Mass General Brigham Personalized Medicine
Classification: Likely benign. Last evaluated: 2018-04-10. Review status: criteria provided, single submitter. Criteria: LMM Criteria. Collection method: clinical testing. Allele origin: germline. Observed: 1 variant allele.
Comment: p.Leu1376Leu (c.4128G>C) in exon 33 of CDH23:This variant is classified as likel y benign because it does not alter an amino acid residue and is not located with in the splice consensus sequence. It has been identified in 1/29980 of South Asi an chromosomes by the Genome Aggregation Database (gnomAD; dbSNP rs773827025). ACMG/AMP criteria applied: BP4, BP7 (Richards 2015).

NM_022124.6(CDH23):c.4128G>C (p.Leu1376=)

Genes: C10orf105 (chromosome 10 open reading frame 105; minus strand), CDH23 (cadherin related 23; plus strand). Cytogenetic location: 10q22.1.
Variant type: single nucleotide variant.
Coding change: c.4128G>C on transcript NM_022124.6 (MANE Select); coding-DNA position 4128, G replaced by C.
Protein change: p.Leu1376=; no amino-acid change (leucine 1376 retained).
Molecular consequence: synonymous variant. On other transcripts: intron variant (1).
Genome position (GRCh38, 1-based): chr10:71,734,263, G>C. VCF-style: chr10-71734263-G-C. GRCh37 (hg19) VCF-style: chr10-73494020-G-C.
Other names: c.-6+3465C>G (NM_001168390.2).
Identifiers: ClinVar variation 666662 (VCV000666662.12), dbSNP rs773827025, ClinGen allele CA5544924.